The following is an entry in ClinVar:

NM_004525.3(LRP2):c.6571A>G (p.Met2191Val)

Gene: LRP2 (LDL receptor related protein 2; minus strand). Cytogenetic location: 2q31.1.
Variant type: single nucleotide variant.
Coding change: c.6571A>G on transcript NM_004525.3 (MANE Select); coding-DNA position 6571, A replaced by G.
Protein change: p.Met2191Val; replaces methionine 2191 with valine.
Molecular consequence: missense variant.
Genome position (GRCh38, 1-based): chr2:169,207,149, T>C on the plus strand (A>G on the coding strand, the complement: LRP2 is on the minus strand). VCF-style: chr2-169207149-T-C. GRCh37 (hg19) VCF-style: chr2-170063659-T-C.
Other names: short protein forms M2191V.
Identifiers: ClinVar variation 2504871 (VCV002504871.2), dbSNP rs1228586901, ClinGen allele CA349173507.

ClinVar aggregate classification (germline): Uncertain significance. Review status: criteria provided, multiple submitters, no conflicts (2 of 4 stars). 2 submissions from 2 submitters: Uncertain significance (2). Last evaluated 2024-01-30.

Conditions:
Inborn genetic diseases. Identifiers: MedGen C0950123, MeSH D030342.

Allele frequency attached by ClinVar (database versions not stated): TOPMed below 0.00001.

Submissions (2):

Ambry Genetics
Classification: Uncertain significance for Inborn genetic diseases. Last evaluated: 2024-01-30. Review status: criteria provided, single submitter. Criteria: Ambry Variant Classification Scheme 2023. Collection method: clinical testing. Allele origin: germline.

GeneDx
Classification: Uncertain significance. Last evaluated: 2022-12-12. Review status: criteria provided, single submitter. Criteria: GeneDx Variant Classification Process June 2021. Collection method: clinical testing. Allele origin: germline. Affected: yes.
Comment: Not observed at significant frequency in large population cohorts (gnomAD); In silico analysis supports that this missense variant does not alter protein structure/function; Has not been previously published as pathogenic or benign to our knowledge